The following is an entry in ClinVar:

ClinVar aggregate classification (germline): Uncertain significance (1 of 4 stars; one submission).

Conditions:
Charcot-Marie-Tooth disease, type I (CMT1). Also called: Charcot-Marie-Tooth, Type 1; Charcot-Marie-Tooth disease type 1. Identifiers: Orphanet 65753, MedGen C0751036, MONDO:0019011.

gnomAD v4.1: 1 of 1,571,656 alleles (0.000064%); highest among the groups gnomAD compares: South Asian, 0.0012%; no homozygotes.

Submission:

Labcorp Genetics (formerly Invitae), Labcorp
Classification: Uncertain significance for Charcot-Marie-Tooth disease, type I. Last evaluated: 2024-03-13. Review status: criteria provided, single submitter. Criteria: Invitae Variant Classification Sherloc (09022015). Collection method: clinical testing. Allele origin: germline.
Comment: This sequence change replaces threonine, which is neutral and polar, with asparagine, which is neutral and polar, at codon 452 of the EGR2 protein (p.Thr452Asn). This variant is not present in population databases (gnomAD no frequency). This variant has not been reported in the literature in individuals affected with EGR2-related conditions. Advanced modeling of protein sequence and biophysical properties (such as structural, functional, and spatial information, amino acid conservation, physicochemical variation, residue mobility, and thermodynamic stability) has been performed at Invitae for this missense variant, however the output from this modeling did not meet the statistical confidence thresholds required to predict the impact of this variant on EGR2 protein function. In summary, the available evidence is currently insufficient to determine the role of this variant in disease. Therefore, it has been classified as a Variant of Uncertain Significance.

NM_000399.5(EGR2):c.1355C>A (p.Thr452Asn)

Gene: EGR2 (early growth response 2; minus strand). Cytogenetic location: 10q21.3.
Variant type: single nucleotide variant.
Coding change: c.1355C>A on transcript NM_000399.5 (MANE Select); coding-DNA position 1355, C replaced by A.
Protein change: p.Thr452Asn; replaces threonine 452 with asparagine.
Molecular consequence: missense variant.
Genome position (GRCh38, 1-based): chr10:62,813,283, G>T on the plus strand (C>A on the coding strand, the complement: EGR2 is on the minus strand). VCF-style: chr10-62813283-G-T. GRCh37 (hg19) VCF-style: chr10-64573043-G-T.
Other names: c.1355C>A, p.Thr452Asn (NM_001136177.3, NM_001136178.2); c.1205C>A, p.Thr402Asn (NM_001136179.3, NM_001321037.2); c.1394C>A, p.Thr465Asn (NM_001410931.1); short protein forms T465N, T452N, T402N.
Identifiers: ClinVar variation 3645739 (VCV003645739.2).
Genomic context (GRCh38, chr10:62,813,283, plus strand): 5'-CGAGAGGAGCAAGGGGCGAGCGGCCCTCCGCCAAGACTGCTGCTGTTACTGCTGCACAGG[G>T]TACCCCCAGGCTGCACGCCCCCAGAGCAGGAGGCTGTAGAGGGGGCTGGCACCGATGCAG-3'
Protein context (NP_000390.2, residues 442-462): SCSGGVQPGG[Thr452Asn]LCSSNSSSLG